The following is an entry in ClinVar:

ClinVar aggregate classification (germline): Uncertain significance (1 of 4 stars; one submission).

Conditions:
Tyrosinemia type I (TYRSN1). Also called: Tyrosinemia type 1; Fumarylacetoacetase deficiency; Deficiency of fumarylacetoacetase; FAH DEFICIENCY; HEPATORENAL TYROSINEMIA. Identifiers: Orphanet 882, MedGen C0268490, MONDO:0010161, OMIM 276700. Disease mechanism: loss of function.

gnomAD v4.1: 2 of 1,614,174 alleles (0.00012%); highest among the groups gnomAD compares: Non-Finnish European, 0.00017%; no homozygotes.

Submission:

Laboratorio de Genetica e Diagnostico Molecular, Hospital Israelita Albert Einstein
Classification: Uncertain significance for Tyrosinemia type I. Last evaluated: 2024-07-30. Review status: criteria provided, single submitter. Criteria: ACMG Guidelines, 2015. Collection method: clinical testing. Allele origin: germline. Affected: yes.
Comment: ACMG classification criteria: PM2 supporting

NM_000137.4(FAH):c.145C>G (p.Leu49Val)

Gene: FAH (fumarylacetoacetate hydrolase; plus strand). Cytogenetic location: 15q25.1.
Variant type: single nucleotide variant.
Coding change: c.145C>G on transcript NM_000137.4 (MANE Select); coding-DNA position 145, C replaced by G.
Protein change: p.Leu49Val; replaces leucine 49 with valine.
Molecular consequence: missense variant.
Genome position (GRCh38, 1-based): chr15:80,158,123, C>G. VCF-style: chr15-80158123-C-G. GRCh37 (hg19) VCF-style: chr15-80450465-C-G.
Other names: c.145C>G, p.Leu49Val (NM_001374380.1, NM_001374377.1); short protein forms L49V.
Identifiers: ClinVar variation 3902003 (VCV003902003.1).
Genomic context (GRCh38, chr15:80,158,123, plus strand): 5'-AGACCGAGGATAGGTGTGGCCATTGGCGACCAGATCCTGGACCTCAGCATCATCAAGCAC[C>G]TCTTTACTGGTCCTGTCCTCTCCAAACACCAGGATGTCTTCAATCAGGTAGGACATTGTG-3'
Protein context (NP_000128.1, residues 39-59): QILDLSIIKH[Leu49Val]FTGPVLSKHQ